The following is an entry in ClinVar:

ClinVar aggregate classification (germline): Likely pathogenic (1 of 4 stars; one submission).

Conditions:
Hereditary spastic paraplegia 31. Also called: SPASTIC PARAPLEGIA 31, AUTOSOMAL DOMINANT. Identifiers: Orphanet 101011, MedGen C1853247, MONDO:0012453, OMIM 610250.

Submission:

Labcorp Genetics (formerly Invitae), Labcorp
Classification: Likely pathogenic for Hereditary spastic paraplegia 31. Last evaluated: 2025-09-03. Review status: criteria provided, single submitter. Criteria: Invitae Variant Classification Sherloc (09022015). Collection method: clinical testing. Allele origin: germline.
Comment: This sequence change replaces leucine, which is neutral and non-polar, with arginine, which is basic and polar, at codon 118 of the REEP1 protein (p.Leu118Arg). This variant is not present in population databases (gnomAD no frequency). This missense change has been observed in individual(s) with distal hereditary motor neuropathy (internal data). In at least one individual the variant was observed to be de novo. ClinVar contains an entry for this variant (Variation ID: 534220). An algorithm developed to predict the effect of missense changes on protein structure and function (PolyPhen-2) suggests that this variant is likely to be disruptive. In summary, the currently available evidence indicates that the variant is pathogenic, but additional data are needed to prove that conclusively. Therefore, this variant has been classified as Likely Pathogenic.

NM_001371279.1(REEP1):c.353T>G (p.Leu118Arg)

Gene: REEP1 (receptor accessory protein 1; minus strand). Cytogenetic location: 2p11.2.
Variant type: single nucleotide variant.
Coding change: c.353T>G on transcript NM_001371279.1 (MANE Select); coding-DNA position 353, T replaced by G.
Protein change: p.Leu118Arg; replaces leucine 118 with arginine.
Molecular consequence: missense variant. On other transcripts: intron variant (1).
Genome position (GRCh38, 1-based): chr2:86,252,021, A>C on the plus strand (T>G on the coding strand, the complement: REEP1 is on the minus strand). VCF-style: chr2-86252021-A-C. GRCh37 (hg19) VCF-style: chr2-86479144-A-C.
Other names: c.374T>G, p.Leu125Arg (NM_001164730.2); c.272T>G, p.Leu91Arg (NM_001164731.2); c.353T>G, p.Leu118Arg (NM_001371280.1, NM_022912.3); c.182+11944T>G (NM_001164732.2); short protein forms L118R, L125R, L91R.
Identifiers: ClinVar variation 534220 (VCV000534220.8), dbSNP rs1553461156, ClinGen allele CA347716180.
Genomic context (GRCh38, chr2:86,252,021, plus strand): 5'-GAAGCAGCCATCACAGCCGCTGTGGCGGCCACGTTCAAGCCCCGCTTCCCGAAGTGCACA[A>C]GGGCATCGTAACTTCGGTCTTTTGCTTGGACCAGACAATCATCGATTTCCTGTCAAAGGA-3'
Protein context (NP_001358208.1, residues 108-128): VQAKDRSYDA[Leu118Arg]VHFGKRGLNV